The following is an entry in ClinVar:

NM_001267550.2(TTN):c.27328+16C>T

Gene: TTN (titin; minus strand). Cytogenetic location: 2q31.2.
Variant type: single nucleotide variant.
Coding change: c.27328+16C>T on transcript NM_001267550.2 (MANE Select); 16 bases into the intron after coding-DNA position 27328, C replaced by T.
Molecular consequence: intron variant.
Genome position (GRCh38, 1-based): chr2:178,712,681, G>A on the plus strand (C>T on the coding strand, the complement: TTN is on the minus strand). VCF-style: chr2-178712681-G-A. GRCh37 (hg19) VCF-style: chr2-179577408-G-A.
Other names: c.26377+16C>T (NM_001256850.1); c.13282+25401C>T (NM_003319.4); c.13858+25401C>T (NM_133437.4); c.13657+25401C>T (NM_133432.3); c.23596+16C>T (NM_133378.4).
Identifiers: ClinVar variation 508490 (VCV000508490.9), dbSNP rs915309849, ClinGen allele CA60965811.

ClinVar aggregate classification (germline): Likely benign. Review status: criteria provided, multiple submitters, no conflicts (2 of 4 stars). 2 submissions from 2 submitters: Likely benign (2). Last evaluated 2025-10-28.

Conditions:
Dilated cardiomyopathy 1G (CMD1G). Identifiers: Orphanet 154, MedGen C1858763, MONDO:0011400, OMIM 604145.
Autosomal recessive limb-girdle muscular dystrophy type 2J (LGMDR10). Also called: Limb-girdle muscular dystrophy, type 2J; MUSCULAR DYSTROPHY, LIMB-GIRDLE, AUTOSOMAL RECESSIVE 10. Identifiers: Orphanet 140922, MedGen C1837342, MONDO:0012127, OMIM 608807.

Allele frequency attached by ClinVar (database versions not stated): gnomAD 0.00001; gnomAD exomes 0.00001; TOPMed 0.00003.
gnomAD v4.1: 4 of 1,609,676 alleles (0.00025%); highest among the groups gnomAD compares: Admixed American, 0.005%; no homozygotes.

Submissions (2):

Labcorp Genetics (formerly Invitae), Labcorp
Classification: Likely benign for Dilated cardiomyopathy 1G; Autosomal recessive limb-girdle muscular dystrophy type 2J. Last evaluated: 2025-10-28. Review status: criteria provided, single submitter. Criteria: Invitae Variant Classification Sherloc (09022015). Collection method: clinical testing. Allele origin: germline.

GeneDx
Classification: Likely benign. Last evaluated: 2017-03-24. Review status: criteria provided, single submitter. Criteria: GeneDx Variant Classification (06012015). Collection method: clinical testing. Allele origin: germline. Affected: yes.
Comment: This variant is considered likely benign or benign based on one or more of the following criteria: it is a conservative change, it occurs at a poorly conserved position in the protein, it is predicted to be benign by multiple in silico algorithms, and/or has population frequency not consistent with disease.